The following is an entry in ClinVar:

NM_000123.4(ERCC5):c.3496A>C (p.Arg1166=)

Genes: ERCC5 (ERCC excision repair 5, endonuclease; plus strand), BIVM-ERCC5 (BIVM-ERCC5 readthrough; plus strand). Cytogenetic location: 13q33.1.
Variant type: single nucleotide variant.
Coding change: c.3496A>C on transcript NM_000123.4 (MANE Select); coding-DNA position 3496, A replaced by C.
Protein change: p.Arg1166=; no amino-acid change (arginine 1166 retained).
Molecular consequence: synonymous variant.
Genome position (GRCh38, 1-based): chr13:102,875,838, A>C. VCF-style: chr13-102875838-A-C. GRCh37 (hg19) VCF-style: chr13-103528188-A-C.
Other names: c.4858A>C, p.Arg1620= (NM_001204425.2).
Identifiers: ClinVar variation 1692193 (VCV001692193.1), dbSNP rs1883204030, ClinGen allele CA484859331.

ClinVar aggregate classification (germline): Uncertain significance (1 of 4 stars; one submission).

Conditions:
Hereditary cancer-predisposing syndrome. Also called: Hereditary Cancer Syndrome; Hereditary neoplastic syndrome; Neoplastic Syndromes, Hereditary; Tumor predisposition. Identifiers: Orphanet 140162, MedGen C0027672, MeSH D009386, MONDO:0015356.

gnomAD v4.1: 3 of 1,613,238 alleles (0.00019%); highest among the groups gnomAD compares: Non-Finnish European, 0.00025%; no homozygotes.

Submission:

Sema4
Classification: Uncertain significance for Hereditary cancer-predisposing syndrome. Last evaluated: 2021-12-08. Review status: criteria provided, single submitter. Criteria: Sema4 Curation Guidelines. Collection method: curation. Allele origin: germline.
Comment: The ERCC5 c.3496A>C (p.Arg1166=) variant has not been reported in the literature to our knowledge. This variant is not reported in the population database Genome Aggregation Database (PMID: 32461654). This variant has not been reported in ClinVar. The nucleotide is moderately conserved and algorithms developed to predict the effect of sequence changes on RNA splicing suggest that this variant is not likely to affect RNA splicing, though these predictions have not been confirmed by transcriptional studies. The evidence is insufficient to meet ACMG/AMP criteria for classifying the variant as benign or pathogenic. Thus, the clinical significance of this variant is currently uncertain.